The following is an entry in ClinVar:

NM_006790.3(MYOT):c.76C>T (p.Pro26Ser)

Genes: PKD2L2-DT (PKD2L2 divergent transcript; minus strand), MYOT (myotilin; plus strand). Cytogenetic location: 5q31.2.
Variant type: single nucleotide variant.
Coding change: c.76C>T on transcript NM_006790.3 (MANE Select); coding-DNA position 76, C replaced by T.
Protein change: p.Pro26Ser; replaces proline 26 with serine.
Molecular consequence: missense variant. On other transcripts: intron variant (2).
Genome position (GRCh38, 1-based): chr5:137,870,727, C>T. VCF-style: chr5-137870727-C-T. GRCh37 (hg19) VCF-style: chr5-137206416-C-T.
Other names: c.-120-150C>T (NM_001300911.2); c.-197+202C>T (NM_001135940.2); short protein forms P26S.
Identifiers: ClinVar variation 2323828 (VCV002323828.5), dbSNP rs968947514, ClinGen allele CA128702551.
Genomic context (GRCh38, chr5:137,870,727, plus strand): 5'-CGTCCAAAACACTTCATCCAGTCCCAAAACCCATGTGGCTCCAGATTGCAGCCTCCTGGA[C>T]CAGAAACCTCCAGCTTCTCTAGCCAGACCAAACAGTCTTCCATTATCATCCAGCCCCGCC-3'
Protein context (NP_006781.1, residues 16-36): PCGSRLQPPG[Pro26Ser]ETSSFSSQTK

ClinVar aggregate classification (germline): Uncertain significance. Review status: criteria provided, multiple submitters, no conflicts (2 of 4 stars). 2 submissions from 2 submitters: Uncertain significance (2). Last evaluated 2025-06-29.

Conditions:
Inborn genetic diseases. Identifiers: MedGen C0950123, MeSH D030342.
Myofibrillar myopathy 3 (MFM3). Also called: Autosomal dominant spheroid body myopathy; Muscular dystrophy, proximal, type 1A. Identifiers: Orphanet 266, Orphanet 268129, MedGen C3714934, MONDO:0012215, OMIM 609200.

Allele frequency attached by ClinVar (database versions not stated): gnomAD exomes below 0.00001; TOPMed 0.00001; gnomAD 0.00002.
gnomAD v4.1: 9 of 1,614,100 alleles (0.00056%); highest among the groups gnomAD compares: African/African-American, 0.011%; no homozygotes.

Submissions (2):

Ambry Genetics
Classification: Uncertain significance for Inborn genetic diseases. Last evaluated: 2025-06-29. Review status: criteria provided, single submitter. Criteria: Ambry Variant Classification Scheme 2023. Collection method: clinical testing. Allele origin: germline.

Labcorp Genetics (formerly Invitae), Labcorp
Classification: Uncertain significance for Myofibrillar myopathy 3. Last evaluated: 2024-10-22. Review status: criteria provided, single submitter. Criteria: Invitae Variant Classification Sherloc (09022015). Collection method: clinical testing. Allele origin: germline.
Comment: This sequence change replaces proline, which is neutral and non-polar, with serine, which is neutral and polar, at codon 26 of the MYOT protein (p.Pro26Ser). This variant is not present in population databases (gnomAD no frequency). This variant has not been reported in the literature in individuals affected with MYOT-related conditions. ClinVar contains an entry for this variant (Variation ID: 2323828). An algorithm developed to predict the effect of missense changes on protein structure and function (PolyPhen-2) suggests that this variant is likely to be tolerated. In summary, the available evidence is currently insufficient to determine the role of this variant in disease. Therefore, it has been classified as a Variant of Uncertain Significance.